The following is an entry in ClinVar:

ClinVar aggregate classification (germline): Uncertain significance (1 of 4 stars; one submission).

Conditions:
RASopathy. Also called: Noonan spectrum disorder; rasopathies. Identifiers: Orphanet 536391, MedGen C5555857, MONDO:0021060.

Submission:

Labcorp Genetics (formerly Invitae), Labcorp
Classification: Uncertain significance for RASopathy. Last evaluated: 2023-05-05. Review status: criteria provided, single submitter. Criteria: Invitae Variant Classification Sherloc (09022015). Collection method: clinical testing. Allele origin: germline.
Comment: In summary, the available evidence is currently insufficient to determine the role of this variant in disease. Therefore, it has been classified as a Variant of Uncertain Significance. Advanced modeling of protein sequence and biophysical properties (such as structural, functional, and spatial information, amino acid conservation, physicochemical variation, residue mobility, and thermodynamic stability) performed at Invitae indicates that this missense variant is expected to disrupt RAF1 protein function. ClinVar contains an entry for this variant (Variation ID: 1722191). This variant has not been reported in the literature in individuals affected with RAF1-related conditions. This variant is not present in population databases (gnomAD no frequency). This sequence change replaces valine, which is neutral and non-polar, with phenylalanine, which is neutral and non-polar, at codon 379 of the RAF1 protein (p.Val379Phe).

NM_002880.4(RAF1):c.1135G>T (p.Val379Phe)

Gene: RAF1 (Raf-1 proto-oncogene, serine/threonine kinase; minus strand). Cytogenetic location: 3p25.2.
Variant type: single nucleotide variant.
Coding change: c.1135G>T on transcript NM_002880.4 (MANE Select); coding-DNA position 1135, G replaced by T.
Protein change: p.Val379Phe; replaces valine 379 with phenylalanine.
Molecular consequence: missense variant. On other transcripts: non-coding transcript variant (3).
Genome position (GRCh38, 1-based): chr3:12,591,766, C>A on the plus strand (G>T on the coding strand, the complement: RAF1 is on the minus strand). VCF-style: chr3-12591766-C-A. GRCh37 (hg19) VCF-style: chr3-12633265-C-A.
Other names: c.1195G>T, p.Val399Phe (NM_001354689.3); c.1135G>T, p.Val379Phe (NM_001354690.3); c.892G>T, p.Val298Phe (NM_001354691.3, NM_001354692.3); c.1036G>T, p.Val346Phe (NM_001354693.3); c.952G>T, p.Val318Phe (NM_001354694.3); c.793G>T, p.Val265Phe (NM_001354695.3); short protein forms V265F, V298F, V318F, V346F, V379F, V399F.
Identifiers: ClinVar variation 1722191 (VCV001722191.5), dbSNP rs2125347802, ClinGen allele CA351504111.